The following is an entry in ClinVar:

ClinVar aggregate classification (germline): Likely benign (1 of 4 stars; one submission).

Allele frequency attached by ClinVar (database versions not stated): gnomAD exomes 0.00113; ExAC 0.00257; 1000 Genomes Project 0.00359; 1000 Genomes Project 30x 0.00406; gnomAD 0.00445 and 0.00488; ESP Exome Variant Server 0.00489; TOPMed 0.00526.
gnomAD v4.1: 1,238 of 1,496,808 alleles (0.083%); highest among the groups gnomAD compares: African/African-American, 1.5%; 12 homozygotes.

Submission:

GeneDx
Classification: Likely benign. Last evaluated: 2018-06-14. Review status: criteria provided, single submitter. Criteria: GeneDx Variant Classification (06012015). Collection method: clinical testing. Allele origin: germline. Affected: yes.
Comment: This variant is considered likely benign or benign based on one or more of the following criteria: it is a conservative change, it occurs at a poorly conserved position in the protein, it is predicted to be benign by multiple in silico algorithms, and/or has population frequency not consistent with disease.

NM_001035.3(RYR2):c.10143-24C>T

Gene: RYR2 (ryanodine receptor 2; plus strand). Cytogenetic location: 1q43.
Variant type: single nucleotide variant.
Coding change: c.10143-24C>T on transcript NM_001035.3 (MANE Select); 24 bases into the intron before coding-DNA position 10143, C replaced by T.
Molecular consequence: intron variant.
Genome position (GRCh38, 1-based): chr1:237,709,456, C>T. VCF-style: chr1-237709456-C-T. GRCh37 (hg19) VCF-style: chr1-237872756-C-T.
Identifiers: ClinVar variation 675982 (VCV000675982.1), dbSNP rs114852579, ClinGen allele CA084184.